The following is an entry in ClinVar:

ClinVar aggregate classification (germline): Pathogenic. Review status: criteria provided, multiple submitters, no conflicts (2 of 4 stars). 5 submissions from 5 submitters: Pathogenic (3). 2 of the submissions do not count toward it. Last evaluated 2024-01-18.

Conditions:
VCAN-related disorder. Also called: VCAN-related condition.
Stickler syndrome. Identifiers: Orphanet 828, MedGen C0265253, MONDO:0019354.
Wagner disease. Also called: WAGNER SYNDROME 1; Wagner syndrome; HYALOIDEORETINAL DEGENERATION OF WAGNER; WAGNER VITREORETINOPATHY; WAGNER VITREORETINAL DEGENERATION; Wagner Vitreoretinal Degeneration (Wagner Synrdome). Identifiers: Orphanet 898, MedGen C1840452, MONDO:0007740, OMIM 143200.

Submissions (6):

Cambridge Genomics Laboratory, East Genomic Laboratory Hub, NHS Genomic Medicine Service
Classification: Pathogenic for Stickler syndrome. Last evaluated: 2024-01-18. Review status: criteria provided, single submitter. Criteria: ACGS Best Practice Guidelines for Variant Classification in Rare Disease 2020. Collection method: clinical testing. Allele origin: germline. Affected: yes.
Comment: PVS1_Strong,PS1_Supporting,PS4_Supporting,PM2,PP1_Strong

3billion
Classification: Pathogenic for Wagner disease. Last evaluated: 2022-05-22. Review status: criteria provided, single submitter. Criteria: ACMG Guidelines, 2015. Collection method: clinical testing. Allele origin: germline. Affected: yes. Observed: 1 heterozygote.
Comment: The variant is not observed in the gnomAD v2.1.1 dataset. Canonical splice site: predicted to alter splicing and result in a loss or disruption of normal protein function. Multiple pathogenic loss-of-function variants are reported downstream of the variant. The variant has been reported at least twice as pathogenic without evidence for the classification (ClinVar ID: VCV000021405). Therefore, this variant is classified as pathogenic according to the recommendation of ACMG/AMP guideline.

Blueprint Genetics
Classification: Pathogenic for VCAN-related disorders. Last evaluated: 2021-07-06. Review status: criteria provided, single submitter. Criteria: ACMG Guidelines, 2015. Collection method: clinical testing. Allele origin: germline. Affected: yes. Observed: 1 variant allele.

OMIM
Classification: Pathogenic for WAGNER VITREORETINOPATHY. Last evaluated: 2006-08-01. Review status: no assertion criteria provided. Collection method: literature only. Allele origin: germline. Not counted in ClinVar's aggregate classification.

Dr. Peter K. Rogan Lab, Western University
No classification provided (evidence only). Condition: Melanoma. Review status: no classification provided. Collection method: in vitro. Allele origin: not applicable. Functional consequence: skipped exon, retained intron. Not counted in ClinVar's aggregate classification.

GeneReviews
No classification provided. Condition: Wagner disease. Review status: no classification provided. Collection method: literature only. Allele origin: germline. Affected: yes. Not counted in ClinVar's aggregate classification.

Literature cited by the submitters: PubMed 16877430 (cited by OMIM and GeneReviews); NCBI Bookshelf NBK3821 (cited by GeneReviews).

NM_004385.5(VCAN):c.4004-1G>A

Genes: VCAN (versican; plus strand), VCAN-AS1 (VCAN antisense RNA 1; minus strand). Cytogenetic location: 5q14.3.
Variant type: single nucleotide variant.
Coding change: c.4004-1G>A on transcript NM_004385.5 (MANE Select); the canonical splice acceptor site of the intron before coding-DNA position 4004, G replaced by A.
Molecular consequence: splice acceptor variant. On other transcripts: intron variant (2).
Genome position (GRCh38, 1-based): chr5:83,537,006, G>A. VCF-style: chr5-83537006-G-A. GRCh37 (hg19) VCF-style: chr5-82832825-G-A.
Other names: NC_000005.9:g.82832825G>A; IVS7AS, G-A, -1; c.4004-8531G>A (NM_001164098.2); c.1043-1G>A (NM_001164097.2); c.1043-8531G>A (NM_001126336.3).
Identifiers: ClinVar variation 21405 (VCV000021405.6), dbSNP rs80356554, ClinGen allele CA342035.